The following is an entry in ClinVar:

NM_001371727.1(GABRB2):c.914T>C (p.Ile305Thr)

Gene: GABRB2 (gamma-aminobutyric acid type A receptor subunit beta2; minus strand). Cytogenetic location: 5q34.
Variant type: single nucleotide variant.
Coding change: c.914T>C on transcript NM_001371727.1 (MANE Select); coding-DNA position 914, T replaced by C.
Protein change: p.Ile305Thr; replaces isoleucine 305 with threonine.
Molecular consequence: missense variant.
Genome position (GRCh38, 1-based): chr5:161,331,046, A>G on the plus strand (T>C on the coding strand, the complement: GABRB2 is on the minus strand). VCF-style: chr5-161331046-A-G. GRCh37 (hg19) VCF-style: chr5-160758053-A-G.
Other names: c.914T>C, p.Ile305Thr (NM_000813.3, NM_021911.3); short protein forms I305T.
Identifiers: ClinVar variation 835272 (VCV000835272.15), dbSNP rs1753822503, ClinGen allele CA362175352.

ClinVar aggregate classification (germline): Conflicting classifications of pathogenicity. Review status: criteria provided, conflicting classifications (1 of 4 stars). 2 submissions from 2 submitters: Likely pathogenic (1); Uncertain significance (1). Last evaluated 2022-05-30.

Conditions:
Developmental and epileptic encephalopathy 92. Also called: EPILEPTIC ENCEPHALOPATHY, INFANTILE OR EARLY CHILDHOOD, 2. Identifiers: MedGen C4693362, MONDO:0020631, OMIM 617829.
Intellectual disability. Also called: Intellectual developmental disorder; Intellectual functioning disability; intellectual disabilities. Identifiers: MedGen C3714756, MeSH D008607, MONDO:0001071, HP:0001249.

Submissions (2):

MGZ Medical Genetics Center
Classification: Uncertain significance for Developmental and epileptic encephalopathy 92. Last evaluated: 2022-05-30. Review status: criteria provided, single submitter. Criteria: ACMG Guidelines, 2015. Collection method: clinical testing. Allele origin: germline. Affected: yes. Observed: 1 variant allele.
Comment: ACMG criteria applied: PM1, PM2_SUP, PP3

Labcorp Genetics (formerly Invitae), Labcorp
Classification: Likely pathogenic for Intellectual disability. Last evaluated: 2020-05-22. Review status: criteria provided, single submitter. Criteria: Invitae Variant Classification Sherloc (09022015). Collection method: clinical testing. Allele origin: germline.
Comment: In summary, the currently available evidence indicates that the variant is pathogenic, but additional data are needed to prove that conclusively. Therefore, this variant has been classified as Likely Pathogenic. Algorithms developed to predict the effect of missense changes on protein structure and function (SIFT, PolyPhen-2, Align-GVGD) all suggest that this variant is likely to be disruptive, but these predictions have not been confirmed by published functional studies and their clinical significance is uncertain. This variant has been observed in individual(s) with clinical features of GABRB2-related conditions (Invitae). In at least one individual the variant was observed to be de novo. This variant is not present in population databases (ExAC no frequency). This sequence change replaces isoleucine with threonine at codon 305 of the GABRB2 protein (p.Ile305Thr). The isoleucine residue is highly conserved and there is a moderate physicochemical difference between isoleucine and threonine.